The following is an entry in ClinVar:

ClinVar aggregate classification (germline): Uncertain significance. Review status: criteria provided, multiple submitters, no conflicts (2 of 4 stars). 2 submissions from 2 submitters: Uncertain significance (2). Last evaluated 2025-10-24.

Conditions:
Inborn genetic diseases. Identifiers: MedGen C0950123, MeSH D030342.

Allele frequency attached by ClinVar (database versions not stated): gnomAD exomes 0.00001; ExAC 0.00002; gnomAD 0.00002; TOPMed 0.00002; ESP Exome Variant Server 0.00008.
gnomAD v4.1: 12 of 1,613,516 alleles (0.00074%); highest among the groups gnomAD compares: Non-Finnish European, 0.001%; no homozygotes.

Submissions (2):

Ambry Genetics
Classification: Uncertain significance for Inborn genetic diseases. Last evaluated: 2025-10-24. Review status: criteria provided, single submitter. Criteria: Ambry Variant Classification Scheme 2023. Collection method: clinical testing. Allele origin: germline.

Labcorp Genetics (formerly Invitae), Labcorp
Classification: Uncertain significance. Last evaluated: 2021-06-14. Review status: criteria provided, single submitter. Criteria: Invitae Variant Classification Sherloc (09022015). Collection method: clinical testing. Allele origin: germline.
Comment: This variant has not been reported in the literature in individuals with ATF6-related conditions. In summary, the available evidence is currently insufficient to determine the role of this variant in disease. Therefore, it has been classified as a Variant of Uncertain Significance. Algorithms developed to predict the effect of missense changes on protein structure and function are either unavailable or do not agree on the potential impact of this missense change (SIFT: "Tolerated"; PolyPhen-2: "Possibly Damaging"; Align-GVGD: "Class C0"). This variant is present in population databases (rs370895758, ExAC 0.004%). This sequence change replaces methionine with isoleucine at codon 452 of the ATF6 protein (p.Met452Ile). The methionine residue is moderately conserved and there is a small physicochemical difference between methionine and isoleucine.

NM_007348.4(ATF6):c.1356G>A (p.Met452Ile)

Gene: ATF6 (activating transcription factor 6; plus strand). Cytogenetic location: 1q23.3.
Variant type: single nucleotide variant.
Coding change: c.1356G>A on transcript NM_007348.4 (MANE Select); coding-DNA position 1356, G replaced by A.
Protein change: p.Met452Ile; replaces methionine 452 with isoleucine.
Molecular consequence: missense variant.
Genome position (GRCh38, 1-based): chr1:161,851,758, G>A. VCF-style: chr1-161851758-G-A. GRCh37 (hg19) VCF-style: chr1-161821548-G-A.
Other names: c.1356G>A (NM_007348.3); short protein forms M452I.
Identifiers: ClinVar variation 1509615 (VCV001509615.10), dbSNP rs370895758, ClinGen allele CA1214447.